The following is an entry in ClinVar:

NM_005632.3(CAPN15):c.212C>T (p.Pro71Leu)

Gene: CAPN15 (calpain 15; plus strand). Cytogenetic location: 16p13.3.
Variant type: single nucleotide variant.
Coding change: c.212C>T on transcript NM_005632.3 (MANE Select); coding-DNA position 212, C replaced by T.
Protein change: p.Pro71Leu; replaces proline 71 with leucine.
Molecular consequence: missense variant.
Genome position (GRCh38, 1-based): chr16:547,050, C>T. VCF-style: chr16-547050-C-T. GRCh37 (hg19) VCF-style: chr16-597050-C-T.
Other names: short protein forms P71L.
Identifiers: ClinVar variation 4986697 (VCV004986697.1).
Genomic context (GRCh38, chr16:547,050, plus strand): 5'-CCCGCTGCACCTTCCGCAACTTCCTGGGCAAGGAGGCCTGCGAGGTGTGCGGCTTCACCC[C>T]GGAGCCTGCGCCTGGGGCTGCCTTCCTGCCAGTCCTCAACGGGGTCCTCCCCAAGCCACC-3'
Protein context (NP_005623.1, residues 61-81): KEACEVCGFT[Pro71Leu]EPAPGAAFLP

ClinVar aggregate classification (germline): Uncertain significance (1 of 4 stars; one submission).

Conditions:
CAPN15-related disorder. Also called: CAPN15-related condition.

gnomAD v4.1: 18 of 1,605,900 alleles (0.0011%); highest among the groups gnomAD compares: Non-Finnish European, 0.0014%; no homozygotes.

Submission:

PreventionGenetics, part of Exact Sciences
Classification: Uncertain significance for CAPN15-related condition. Last evaluated: 2025-08-31. Review status: criteria provided, single submitter. Criteria: ACMG Guidelines, 2015. Collection method: clinical testing. Allele origin: germline.
Comment: The CAPN15 c.212C>T variant is predicted to result in the amino acid substitution p.Pro71Leu. To our knowledge, this variant has not been reported in the literature. This variant is reported in 0.0019% of alleles in individuals of European (Non-Finnish) descent in gnomAD. At this time, the clinical significance of this variant is uncertain due to the absence of conclusive functional and genetic evidence.